The following is an entry in ClinVar:

NM_001040108.2(MLH3):c.1981A>T (p.Thr661Ser)

Gene: MLH3 (mutL homolog 3; minus strand). Cytogenetic location: 14q24.3.
Variant type: single nucleotide variant.
Coding change: c.1981A>T on transcript NM_001040108.2 (MANE Select); coding-DNA position 1981, A replaced by T.
Protein change: p.Thr661Ser; replaces threonine 661 with serine.
Molecular consequence: missense variant.
Genome position (GRCh38, 1-based): chr14:75,047,675, T>A on the plus strand (A>T on the coding strand, the complement: MLH3 is on the minus strand). VCF-style: chr14-75047675-T-A. GRCh37 (hg19) VCF-style: chr14-75514378-T-A.
Other names: c.1981A>T, p.Thr661Ser (NM_014381.3); short protein forms T661S.
Identifiers: ClinVar variation 2422027 (VCV002422027.8), dbSNP rs1289171734, ClinGen allele CA390443530.

ClinVar aggregate classification (germline): Uncertain significance. Review status: criteria provided, multiple submitters, no conflicts (2 of 4 stars). 2 submissions from 2 submitters: Uncertain significance (2). Last evaluated 2023-02-23.

Conditions:
Colorectal cancer, hereditary nonpolyposis, type 7. Identifiers: Orphanet 144, MedGen C1858380, MONDO:0013725, OMIM 614385.

gnomAD v4.1: 1 of 1,614,070 alleles (0.000062%); highest among the groups gnomAD compares: Admixed American, 0.0017%; no homozygotes.

Submissions (2):

Ambry Genetics
Classification: Uncertain significance. Last evaluated: 2023-02-23. Review status: criteria provided, single submitter. Criteria: Ambry Variant Classification Scheme 2023. Collection method: clinical testing. Allele origin: germline.
Comment: The p.T661S variant (also known as c.1981A>T), located in coding exon 1 of the MLH3 gene, results from an A to T substitution at nucleotide position 1981. The threonine at codon 661 is replaced by serine, an amino acid with similar properties. This amino acid position is conserved. In addition, this alteration is predicted to be tolerated by in silico analysis. Since supporting evidence is limited at this time, the clinical significance of this alteration remains unclear.

Labcorp Genetics (formerly Invitae), Labcorp
Classification: Uncertain significance for Colorectal cancer, hereditary nonpolyposis, type 7. Last evaluated: 2022-10-07. Review status: criteria provided, single submitter. Criteria: Invitae Variant Classification Sherloc (09022015). Collection method: clinical testing. Allele origin: germline.
Comment: This sequence change replaces threonine, which is neutral and polar, with serine, which is neutral and polar, at codon 661 of the MLH3 protein (p.Thr661Ser). This variant is present in population databases (no rsID available, gnomAD 0.003%). This variant has not been reported in the literature in individuals affected with MLH3-related conditions. Algorithms developed to predict the effect of missense changes on protein structure and function (SIFT, PolyPhen-2, Align-GVGD) all suggest that this variant is likely to be tolerated. In summary, the available evidence is currently insufficient to determine the role of this variant in disease. Therefore, it has been classified as a Variant of Uncertain Significance.